The following is an entry in ClinVar:

NM_003356.4(UCP3):c.882T>C (p.Tyr294=)

Gene: UCP3 (uncoupling protein 3; minus strand). Cytogenetic location: 11q13.4.
Variant type: single nucleotide variant.
Coding change: c.882T>C on transcript NM_003356.4 (MANE Select); coding-DNA position 882, T replaced by C.
Protein change: p.Tyr294=; no amino-acid change (tyrosine 294 retained).
Molecular consequence: synonymous variant.
Genome position (GRCh38, 1-based): chr11:74,001,469, A>G on the plus strand (T>C on the coding strand, the complement: UCP3 is on the minus strand). VCF-style: chr11-74001469-A-G. GRCh37 (hg19) VCF-style: chr11-73712514-A-G.
Identifiers: ClinVar variation 3355362 (VCV003355362.3).
Genomic context (GRCh38, chr11:74,001,469, plus strand): 5'-TGTTCAAAACGGTGATTCCCGTAACATCTGGACTTTCATCAGGGCCCGTTTCAGCTGCTC[A>G]TAGGTTACGAACATCACCACGTTCCAGGATCCCAAACGCAAAAAGGAGGGTGTAAATCTG-3'
Protein context (NP_003347.1, residues 284-304): GSWNVVMFVT[Tyr294=]EQLKRALMKV

ClinVar aggregate classification (germline): Likely benign. Review status: criteria provided, single submitter (1 of 4 stars). 2 submissions from 2 submitters: Likely benign (1). 1 of the submissions does not count toward it. Last evaluated 2025-02-05.

Conditions:
UCP3-related disorder. Also called: UCP3-related condition.

Submissions (2):

Labcorp Genetics (formerly Invitae), Labcorp
Classification: Likely benign. Last evaluated: 2025-02-05. Review status: criteria provided, single submitter. Criteria: Invitae Variant Classification Sherloc (09022015). Collection method: clinical testing. Allele origin: germline.

PreventionGenetics, part of Exact Sciences
Classification: Likely benign for UCP3-related condition. Last evaluated: 2021-09-30. Review status: no assertion criteria provided. Collection method: clinical testing. Allele origin: germline. Not counted in ClinVar's aggregate classification.
Comment: This variant is classified as likely benign based on ACMG/AMP sequence variant interpretation guidelines (Richards et al. 2015 PMID: 25741868, with internal and published modifications).